The following is an entry in ClinVar:

ClinVar aggregate classification (germline): Uncertain significance (1 of 4 stars; one submission).

Conditions:
Hereditary hyperekplexia. Identifiers: Orphanet 3197, MedGen C4084968, MONDO:0021022.

Submission:

Labcorp Genetics (formerly Invitae), Labcorp
Classification: Uncertain significance for Hereditary hyperekplexia. Last evaluated: 2024-06-24. Review status: criteria provided, single submitter. Criteria: Invitae Variant Classification Sherloc (09022015). Collection method: clinical testing. Allele origin: germline.
Comment: This sequence change replaces lysine, which is basic and polar, with asparagine, which is neutral and polar, at codon 353 of the GLRA1 protein (p.Lys353Asn). This variant also falls at the last nucleotide of exon 8, which is part of the consensus splice site for this exon. This variant is not present in population databases (gnomAD no frequency). This variant has not been reported in the literature in individuals affected with GLRA1-related conditions. An algorithm developed to predict the effect of missense changes on protein structure and function (PolyPhen-2) suggests that this variant is likely to be tolerated. Variants that disrupt the consensus splice site are a relatively common cause of aberrant splicing (PMID: 17576681, 9536098). Algorithms developed to predict the effect of sequence changes on RNA splicing suggest that this variant may disrupt the consensus splice site. In summary, the available evidence is currently insufficient to determine the role of this variant in disease. Therefore, it has been classified as a Variant of Uncertain Significance.

Literature cited by the submitters: PubMed 17576681; PubMed 9536098.

NM_000171.4(GLRA1):c.1059G>C (p.Lys353Asn)

Gene: GLRA1 (glycine receptor alpha 1; minus strand). Cytogenetic location: 5q33.1.
Variant type: single nucleotide variant.
Coding change: c.1059G>C on transcript NM_000171.4 (MANE Select); coding-DNA position 1059, G replaced by C.
Protein change: p.Lys353Asn; replaces lysine 353 with asparagine.
Molecular consequence: missense variant.
Genome position (GRCh38, 1-based): chr5:151,828,921, C>G on the plus strand (G>C on the coding strand, the complement: GLRA1 is on the minus strand). VCF-style: chr5-151828921-C-G. GRCh37 (hg19) VCF-style: chr5-151208482-C-G.
Other names: c.1059G>C, p.Lys353Asn (NM_001146040.2); c.810G>C, p.Lys270Asn (NM_001292000.2); short protein forms K270N, K353N.
Identifiers: ClinVar variation 3650881 (VCV003650881.2).
Genomic context (GRCh38, chr5:151,828,921, plus strand): 5'-CTTAGAACTCTTTTGTTTACTAACAGCTGTCCCTCCTTAGGCAGTGACCCAAAGGCCTAC[C>G]TTGTGATGTCTCCGCTTCCTCCTGAATCGGAGCAGCTCCTTATGTTGCCGAGACACAAAG-3'
Protein context (NP_000162.2, residues 343-363): LRFRRKRRHH[Lys353Asn]EDEAGEGRFN